The following is an entry in ClinVar:

ClinVar aggregate classification (germline): Pathogenic (1 of 4 stars; one submission).

Allele frequency attached by ClinVar (database versions not stated): TOPMed below 0.00001; gnomAD 0.00001; ExAC 0.00002; gnomAD exomes 0.00003.
gnomAD v4.1: 18 of 1,614,014 alleles (0.0011%); highest among the groups gnomAD compares: South Asian, 0.0044%; no homozygotes.

Submission:

Labcorp Genetics (formerly Invitae), Labcorp
Classification: Pathogenic. Last evaluated: 2024-04-15. Review status: criteria provided, single submitter. Criteria: Invitae Variant Classification Sherloc (09022015). Collection method: clinical testing. Allele origin: germline.
Comment: This sequence change creates a premature translational stop signal (p.Arg237*) in the IL11RA gene. It is expected to result in an absent or disrupted protein product. Loss-of-function variants in IL11RA are known to be pathogenic (PMID: 21741611, 24498618). This variant is present in population databases (rs775348905, gnomAD 0.02%). This variant has not been reported in the literature in individuals affected with IL11RA-related conditions. ClinVar contains an entry for this variant (Variation ID: 1074686). For these reasons, this variant has been classified as Pathogenic.

Literature cited by the submitters: PubMed 21741611; PubMed 24498618.

NM_001142784.3(IL11RA):c.709C>T (p.Arg237Ter)

Gene: IL11RA (interleukin 11 receptor subunit alpha; plus strand). Cytogenetic location: 9p13.3.
Variant type: single nucleotide variant.
Coding change: c.709C>T on transcript NM_001142784.3 (MANE Select); coding-DNA position 709, C replaced by T.
Protein change: p.Arg237Ter; replaces arginine 237 with a stop codon.
Molecular consequence: nonsense. On other transcripts: non-coding transcript variant (1).
Genome position (GRCh38, 1-based): chr9:34,658,582, C>T. VCF-style: chr9-34658582-C-T. GRCh37 (hg19) VCF-style: chr9-34658579-C-T.
Other names: short protein forms R237*.
Identifiers: ClinVar variation 1074686 (VCV001074686.7), dbSNP rs775348905, ClinGen allele CA5036572.